The following is an entry in ClinVar:

NM_001256789.3(CACNA1F):c.3190G>T (p.Ala1064Ser)

Gene: CACNA1F (calcium voltage-gated channel subunit alpha1 F; minus strand). Cytogenetic location: Xp11.23.
Variant type: single nucleotide variant.
Coding change: c.3190G>T on transcript NM_001256789.3 (MANE Select); coding-DNA position 3190, G replaced by T.
Protein change: p.Ala1064Ser; replaces alanine 1064 with serine.
Molecular consequence: missense variant.
Genome position (GRCh38, 1-based): chrX:49,216,428, C>A on the plus strand (G>T on the coding strand, the complement: CACNA1F is on the minus strand). VCF-style: chrX-49216428-C-A. GRCh37 (hg19) VCF-style: chrX-49072888-C-A.
Other names: c.3223G>T (NM_005183.3); c.3028G>T, p.Ala1010Ser (NM_001256790.3); c.3223G>T, p.Ala1075Ser (NM_005183.4); short protein forms A1010S, A1064S, A1075S.
Identifiers: ClinVar variation 3136345 (VCV003136345.2), dbSNP rs1392622274, ClinGen allele CA412963952.
Genomic context (GRCh38, chrX:49,216,428, plus strand): 5'-GCCCTGTCCCTCACGCAGGCCAGCCTTCAAAGGTGGAGACAGTGAACAGGGCCATCATGG[C>A]TGAAAGGACATTGTCAAAGTTGAAATCACTGTTGACCCAGAGCCGCTCCCGGACCAGGGG-3'
Protein context (NP_001243718.1, residues 1054-1074): SDFNFDNVLS[Ala1064Ser]MMALFTVSTF

ClinVar aggregate classification (germline): Uncertain significance. Review status: criteria provided, multiple submitters, no conflicts (2 of 4 stars). 2 submissions from 2 submitters: Uncertain significance (2). Last evaluated 2024-12-20.

Conditions:
CACNA1F-related disorder. Also called: CACNA1F-related condition.
Inborn genetic diseases. Identifiers: MedGen C0950123, MeSH D030342.

Allele frequency attached by ClinVar (database versions not stated): TOPMed 0.00001; gnomAD 0.00003.
gnomAD v4.1: 3 of 1,208,909 alleles (0.00025%); highest among the groups gnomAD compares: African/African-American, 0.0035%; no homozygotes.

Submissions (2):

PreventionGenetics, part of Exact Sciences
Classification: Uncertain significance for CACNA1F-related condition. Last evaluated: 2024-12-20. Review status: criteria provided, single submitter. Criteria: ACMG Guidelines, 2015. Collection method: clinical testing. Allele origin: germline.
Comment: The CACNA1F c.3223G>T variant is predicted to result in the amino acid substitution p.Ala1075Ser. To our knowledge, this variant has not been reported in the literature. This variant is reported in 0.034% of alleles in individuals of African descent in gnomAD. Although we suspect that this variant may be benign, at this time, the clinical significance of this variant is uncertain due to the absence of conclusive functional and genetic evidence.

Ambry Genetics
Classification: Uncertain significance for Inborn genetic diseases. Last evaluated: 2023-10-05. Review status: criteria provided, single submitter. Criteria: Ambry Variant Classification Scheme 2023. Collection method: clinical testing. Allele origin: germline.